The following is an entry in ClinVar:

ClinVar aggregate classification (germline): Likely benign (1 of 4 stars; one submission).

Conditions:
TRMU-related disorder. Also called: TRMU-related condition.

Submission:

PreventionGenetics, part of Exact Sciences
Classification: Likely benign for TRMU-related condition. Last evaluated: 2026-03-31. Review status: criteria provided, single submitter. Criteria: ACMG Guidelines, 2015. Collection method: clinical testing. Allele origin: germline.
Comment: This variant is classified as likely benign based on ACMG/AMP sequence variant interpretation guidelines (Richards et al. 2015 PMID: 25741868, with internal and published modifications).

NM_018006.5(TRMU):c.-29T>C

Gene: TRMU (tRNA mitochondrial 2-thiouridylase; plus strand). Cytogenetic location: 22q13.31.
Variant type: single nucleotide variant.
Coding change: c.-29T>C on transcript NM_018006.5 (MANE Select); 29 bases upstream of the start codon, T replaced by C.
Molecular consequence: 5 prime UTR variant. On other transcripts: non-coding transcript variant (2).
Genome position (GRCh38, 1-based): chr22:46,335,736, T>C. VCF-style: chr22-46335736-T-C. GRCh37 (hg19) VCF-style: chr22-46731633-T-C.
Other names: c.-264T>C (NM_001282782.2); c.-283T>C (NM_001282783.2, NM_001282784.2); c.-29T>C (NM_001282785.2).
Identifiers: ClinVar variation 5000087 (VCV005000087.1).